The following is an entry in ClinVar:

ClinVar aggregate classification (germline): Uncertain significance (1 of 4 stars; one submission).

Conditions:
Hereditary cancer-predisposing syndrome. Also called: Neoplastic Syndromes, Hereditary; Tumor predisposition; Hereditary neoplastic syndrome; Hereditary Cancer Syndrome. Identifiers: Orphanet 140162, MedGen C0027672, MeSH D009386, MONDO:0015356.

Submission:

Ambry Genetics
Classification: Uncertain significance for Hereditary cancer-predisposing syndrome. Last evaluated: 2025-05-07. Review status: criteria provided, single submitter. Criteria: Ambry Variant Classification Scheme 2023. Collection method: clinical testing. Allele origin: germline.
Comment: The p.S369I variant (also known as c.1106G>T), located in coding exon 6 of the KIT gene, results from a G to T substitution at nucleotide position 1106. The serine at codon 369 is replaced by isoleucine, an amino acid with dissimilar properties. This amino acid position is conserved. In addition, this alteration is predicted to be tolerated by in silico analysis. Based on the available evidence, the clinical significance of this variant remains unclear.

NM_000222.3(KIT):c.1106G>T (p.Ser369Ile)

Gene: KIT (KIT proto-oncogene, receptor tyrosine kinase; plus strand). Cytogenetic location: 4q12.
Variant type: single nucleotide variant.
Coding change: c.1106G>T on transcript NM_000222.3 (MANE Select); coding-DNA position 1106, G replaced by T.
Protein change: p.Ser369Ile; replaces serine 369 with isoleucine.
Molecular consequence: missense variant.
Genome position (GRCh38, 1-based): chr4:54,707,278, G>T. VCF-style: chr4-54707278-G-T. GRCh37 (hg19) VCF-style: chr4-55573444-G-T.
Other names: c.1106G>T, p.Ser369Ile (NM_001093772.2, NM_001385285.1, NM_001385286.1); c.1109G>T, p.Ser370Ile (NM_001385284.1, NM_001385288.1, NM_001385290.1 and 1 more transcripts); short protein forms S369I, S370I.
Identifiers: ClinVar variation 4043761 (VCV004043761.1).